The following is an entry in ClinVar:

NM_002838.5(PTPRC):c.1601A>T (p.His534Leu)

Gene: PTPRC (protein tyrosine phosphatase receptor type C; plus strand). Cytogenetic location: 1q32.1.
Variant type: single nucleotide variant.
Coding change: c.1601A>T on transcript NM_002838.5 (MANE Select); coding-DNA position 1601, A replaced by T.
Protein change: p.His534Leu; replaces histidine 534 with leucine.
Molecular consequence: missense variant.
Genome position (GRCh38, 1-based): chr1:198,718,244, A>T. VCF-style: chr1-198718244-A-T. GRCh37 (hg19) VCF-style: chr1-198687373-A-T.
Other names: c.1118A>T, p.His373Leu (NM_080921.4); short protein forms H373L, H534L.
Identifiers: ClinVar variation 3691888 (VCV003691888.2).

ClinVar aggregate classification (germline): Uncertain significance (1 of 4 stars; one submission).

Conditions:
Immunodeficiency 104. Also called: Severe combined immunodeficiency, autosomal recessive, T cell-negative, B cell-positive, NK cell-positive; SCID, AUTOSOMAL RECESSIVE, T CELL-NEGATIVE, B CELL-POSITIVE, NK CELL-POSITIVE; Severe Combined Immune Deficiency, Autosomal Recessive, TCell -Negative, B Cell-Positive, NK Cell-Positive, IL7R-Related; IMMUNODEFICIENCY 104, SEVERE COMBINED. Identifiers: MedGen C5676890, MONDO:0012163, OMIM 608971.

gnomAD v4.1: 1 of 1,614,138 alleles (0.000062%); highest among the groups gnomAD compares: Non-Finnish European, 0.000085%; no homozygotes.

Submission:

Labcorp Genetics (formerly Invitae), Labcorp
Classification: Uncertain significance for Immunodeficiency 104. Last evaluated: 2024-05-16. Review status: criteria provided, single submitter. Criteria: Invitae Variant Classification Sherloc (09022015). Collection method: clinical testing. Allele origin: germline.
Comment: This sequence change replaces histidine, which is basic and polar, with leucine, which is neutral and non-polar, at codon 534 of the PTPRC protein (p.His534Leu). This variant is not present in population databases (gnomAD no frequency). This variant has not been reported in the literature in individuals affected with PTPRC-related conditions. An algorithm developed to predict the effect of missense changes on protein structure and function (PolyPhen-2) suggests that this variant is likely to be tolerated. In summary, the available evidence is currently insufficient to determine the role of this variant in disease. Therefore, it has been classified as a Variant of Uncertain Significance.